The following is an entry in ClinVar:

NM_004360.5(CDH1):c.145G>C (p.Gly49Arg)

Gene: CDH1 (cadherin 1; plus strand). Cytogenetic location: 16q22.1.
Variant type: single nucleotide variant.
Coding change: c.145G>C on transcript NM_004360.5 (MANE Select); coding-DNA position 145, G replaced by C.
Protein change: p.Gly49Arg; replaces glycine 49 with arginine.
Molecular consequence: missense variant. On other transcripts: 5 prime UTR variant (2).
Genome position (GRCh38, 1-based): chr16:68,738,393, G>C. VCF-style: chr16-68738393-G-C. GRCh37 (hg19) VCF-style: chr16-68772296-G-C.
Other names: NM_004360.5(CDH1):c.145G>C; p.Gly49Arg; c.145G>C (LRG_301t1); c.145G>C, p.Gly49Arg (NM_001317184.2); c.-1471G>C (NM_001317185.2); c.-1675G>C (NM_001317186.2); short protein forms G49R.
Identifiers: ClinVar variation 483261 (VCV000483261.22), dbSNP rs1060501223, ClinGen allele CA396452267.

ClinVar aggregate classification (germline): Uncertain significance. Review status: reviewed by expert panel (3 of 4 stars). 4 submissions from 4 submitters: Uncertain significance (1). 3 of the submissions do not count toward it. Last evaluated 2023-08-02.

Conditions:
CDH1-related diffuse gastric and lobular breast cancer syndrome. Also called: CDH1-related diffuse gastric and lobular breast cancer. Identifiers: MedGen CN311521, MONDO:0100488.
Hereditary cancer-predisposing syndrome. Also called: Hereditary neoplastic syndrome; Neoplastic Syndromes, Hereditary; Tumor predisposition; Hereditary Cancer Syndrome. Identifiers: Orphanet 140162, MedGen C0027672, MeSH D009386, MONDO:0015356.
Hereditary diffuse gastric adenocarcinoma (HDGC). Also called: DIFFUSE GASTRIC AND LOBULAR BREAST CANCER SYNDROME. Identifiers: Orphanet 26106, MedGen C1708349, MONDO:0007648, OMIM 137215.

Submissions (4):

Clingen Gastric Cancer Variant Curation Expert Panel
Classification: Uncertain significance for CDH1-related diffuse gastric and lobular breast cancer syndrome. Last evaluated: 2023-08-02. Review status: reviewed by expert panel. Criteria: ClinGen CDH1 ACMG Specifications V3.1. Collection method: curation. Allele origin: germline. Inheritance: Autosomal dominant inheritance.
Comment: The c.145G>C (NM_004360.5) variant in CDH1 is a missense variant predicted to predicted to cause substitution of Gly by Arg at amino acid 49 (p.Gly49Arg). This allele is absent from populations in gnomAD v2.1.1 and v3 (PM2_Supporting). This variant has been observed in at least individuals without GC, DGC, SRC tumours or LBC and whose families do not suggest HDGC (BS2_Supporting). In summary, this variant is classified as uncertain significance for DGLBCS based on the ACMG/AMP criteria applied, as specified by the ClinGen CDH1 VCEP: PM2_Supporting, BS2_Supporting. (CDH1 VCEP specifications version 3.1; 04/24/2023)

Ambry Genetics
Classification: Uncertain significance for Hereditary cancer-predisposing syndrome. Last evaluated: 2025-09-25. Review status: criteria provided, single submitter. Criteria: Ambry Variant Classification Scheme 2023. Collection method: clinical testing. Allele origin: germline. Not counted in ClinVar's aggregate classification.
Comment: The p.G49R variant (also known as c.145G>C), located in coding exon 2 of the CDH1 gene, results from a G to C substitution at nucleotide position 145. The glycine at codon 49 is replaced by arginine, an amino acid with dissimilar properties. This amino acid position is well conserved in available vertebrate species. In addition, this alteration is predicted to be tolerated by in silico analysis. Based on the available evidence, the clinical significance of this variant remains unclear.

Color Diagnostics, LLC DBA Color Health
Classification: Uncertain significance for Hereditary cancer-predisposing syndrome. Last evaluated: 2023-12-05. Review status: criteria provided, single submitter. Criteria: ACMG Guidelines, 2015. Collection method: clinical testing. Allele origin: germline. Not counted in ClinVar's aggregate classification.
Comment: This missense variant replaces glycine with arginine at codon 49 of the CDH1 protein. To our knowledge, functional studies have not been reported for this variant. This variant has not been reported in individuals affected with CDH1-related disorders in the literature. This variant has not been identified in the general population by the Genome Aggregation Database (gnomAD). The available evidence is insufficient to determine the role of this variant in disease conclusively. Therefore, this variant is classified as a Variant of Uncertain Significance.

Labcorp Genetics (formerly Invitae), Labcorp
Classification: Uncertain significance for Hereditary diffuse gastric adenocarcinoma. Last evaluated: 2023-05-04. Review status: criteria provided, single submitter. Criteria: Invitae Variant Classification Sherloc (09022015). Collection method: clinical testing. Allele origin: germline. Not counted in ClinVar's aggregate classification.
Comment: This sequence change replaces glycine, which is neutral and non-polar, with arginine, which is basic and polar, at codon 49 of the CDH1 protein (p.Gly49Arg). This variant is not present in population databases (gnomAD no frequency). This variant has not been reported in the literature in individuals affected with CDH1-related conditions. ClinVar contains an entry for this variant (Variation ID: 483261). An algorithm developed to predict the effect of missense changes on protein structure and function (PolyPhen-2) suggests that this variant is likely to be tolerated. In summary, the available evidence is currently insufficient to determine the role of this variant in disease. Therefore, it has been classified as a Variant of Uncertain Significance.